The following is an entry in ClinVar:

NM_000264.5(PTCH1):c.101G>A (p.Arg34Lys)

Genes: PTCH1 (patched 1; minus strand), LOC130002133 (ATAC-STARR-seq lymphoblastoid silent region 20071; plus strand). Cytogenetic location: 9q22.32.
Variant type: single nucleotide variant.
Coding change: c.101G>A on transcript NM_000264.5 (MANE Select); coding-DNA position 101, G replaced by A.
Protein change: p.Arg34Lys; replaces arginine 34 with lysine.
Molecular consequence: missense variant. On other transcripts: non-coding transcript variant (1), intron variant (3).
Genome position (GRCh38, 1-based): chr9:95,508,261, C>T on the plus strand (G>A on the coding strand, the complement: PTCH1 is on the minus strand). VCF-style: chr9-95508261-C-T. GRCh37 (hg19) VCF-style: chr9-98270543-C-T.
Other names: c.101G>A, p.Arg34Lys (NM_001354918.2); c.199-1662G>A (NM_001083603.3); c.4-1662G>A (NM_001083602.3, NM_001354919.2); short protein forms R34K.
Identifiers: ClinVar variation 496664 (VCV000496664.14), dbSNP rs771847879, ClinGen allele CA5139050.
Genomic context (GRCh38, chr9:95,508,261, plus strand): 5'-CTGGGCCGGTGCAGATAGTCCCGGTCCGGCGCGGCAGCACGGCGCAGCCCCCCCGTCCGT[C>T]TGCGCCTCCCGCCTCCAGCCGGCCGTCCCGGGGCACCGATACAGCCGCTGCCGCCGCCGC-3'
Protein context (NP_000255.2, residues 24-44): PGRPAGGGRR[Arg34Lys]RTGGLRRAAA

ClinVar aggregate classification (germline): Conflicting classifications of pathogenicity. Review status: criteria provided, conflicting classifications (1 of 4 stars). 3 submissions from 3 submitters: Uncertain significance (2); Likely benign (1). Last evaluated 2024-06-25.

Conditions:
Hereditary cancer-predisposing syndrome. Also called: Tumor predisposition; Hereditary neoplastic syndrome; Neoplastic Syndromes, Hereditary; Hereditary Cancer Syndrome. Identifiers: Orphanet 140162, MedGen C0027672, MeSH D009386, MONDO:0015356.
Gorlin syndrome. Also called: Basal cell nevus syndrome; Nevoid Basal Cell Carcinoma Syndrome. Identifiers: Orphanet 377, MedGen C0004779, MONDO:0007187.

gnomAD v4.1: 1 of 1,589,432 alleles (0.000063%); highest among the groups gnomAD compares: Non-Finnish European, 0.000085%; no homozygotes.

Submissions (3):

Ambry Genetics
Classification: Likely benign for Hereditary cancer-predisposing syndrome. Last evaluated: 2024-06-25. Review status: criteria provided, single submitter. Criteria: Ambry Variant Classification Scheme 2023. Collection method: clinical testing. Allele origin: germline.

Labcorp Genetics (formerly Invitae), Labcorp
Classification: Uncertain significance for Gorlin syndrome. Last evaluated: 2019-02-12. Review status: criteria provided, single submitter. Criteria: Invitae Variant Classification Sherloc (09022015). Collection method: clinical testing. Allele origin: germline.
Comment: In summary, the available evidence is currently insufficient to determine the role of this variant in disease. Therefore, it has been classified as a Variant of Uncertain Significance. Algorithms developed to predict the effect of missense changes on protein structure and function (SIFT, PolyPhen-2, Align-GVGD) all suggest that this variant is likely to be tolerated, but these predictions have not been confirmed by published functional studies and their clinical significance is uncertain. This variant has not been reported in the literature in individuals with PTCH1-related conditions. ClinVar contains an entry for this variant (Variation ID: 496664). This variant is present in population databases (rs771847879, ExAC 0.002%). This sequence change replaces arginine with lysine at codon 34 of the PTCH1 protein (p.Arg34Lys). The arginine residue is moderately conserved and there is a small physicochemical difference between arginine and lysine.

CSER _CC_NCGL, University of Washington
Classification: Uncertain significance for Basal cell nevus syndrome. Last evaluated: 2016-10-01. Review status: criteria provided, single submitter. Criteria: Amendola et al. (Genome Res. 2015). Collection method: research. Allele origin: germline. Affected: yes. Study: CSER - NEXT Medicine variant annotation.
Comment: This interpretation considers GERP score and allele frequency data, in addition to published reports of the variant in the literature, available at the time of review.